The following is an entry in ClinVar:

ClinVar aggregate classification (germline): Uncertain significance (1 of 4 stars; one submission).

Allele frequency attached by ClinVar (database versions not stated): gnomAD 0.00001; TOPMed 0.00001.

Submission:

Labcorp Genetics (formerly Invitae), Labcorp
Classification: Uncertain significance. Last evaluated: 2019-11-23. Review status: criteria provided, single submitter. Criteria: Invitae Variant Classification Sherloc (09022015). Collection method: clinical testing. Allele origin: germline.
Comment: In summary, the available evidence is currently insufficient to determine the role of this variant in disease. Therefore, it has been classified as a Variant of Uncertain Significance. Experimental studies and prediction algorithms are not available or were not evaluated for this variant, and the functional significance of this variant is currently unknown. This variant has not been reported in the literature in individuals with SLC7A14-related conditions. This variant is not present in population databases (ExAC no frequency). This variant, c.1548_1550dup, results in the insertion of 1 amino acid to the SLC7A14 protein (p.Thr518dup) but otherwise preserves the integrity of the reading frame.

NM_020949.3(SLC7A14):c.1548_1550dup (p.Thr518dup)

Genes: SLC7A14 (solute carrier family 7 member 14; minus strand), SLC7A14-AS1 (SLC7A14 antisense RNA 1; plus strand). Cytogenetic location: 3q26.2.
Variant type: Duplication.
Coding change: c.1548_1550dup on transcript NM_020949.3 (MANE Select); coding-DNA positions 1548 to 1550, 3 bases duplicated (GAC; older notation c.1548_1550dupGAC).
Protein change: p.Thr518dup; duplicates threonine 518.
Molecular consequence: inframe insertion.
Genome position (GRCh38, 1-based): chr3:170,480,732-170,480,734, GTC duplicated on the plus strand (GAC on the coding strand, the reverse complement: SLC7A14 is on the minus strand). VCF-style (leftmost placement, unchanged base first): chr3-170480731-G-GGTC. GRCh37 (hg19) VCF-style: chr3-170198520-G-GGTC.
Identifiers: ClinVar variation 846476 (VCV000846476.9), dbSNP rs1326116750, ClinGen allele CA902493981.